The following is an entry in ClinVar:

NM_002230.4(JUP):c.469-16del

Gene: JUP (junction plakoglobin; minus strand). Cytogenetic location: 17q21.2.
Variant type: Deletion.
Coding change: c.469-16del on transcript NM_002230.4 (MANE Select); 16 bases into the intron before coding-DNA position 469, one base deleted (T; older notation c.469-16delT).
Molecular consequence: intron variant.
Genome position (GRCh38, 1-based): chr17:41,769,223, A deleted on the plus strand (T on the coding strand, the reverse complement: JUP is on the minus strand). VCF-style (leftmost placement, unchanged base first): chr17-41769222-CA-C. GRCh37 (hg19) VCF-style: chr17-39925474-CA-C.
Other names: c.469-16del (NM_001352774.2, NM_021991.4, NM_001352773.2 and 3 more transcripts); c.469-16delT (NM_021991.2).
Identifiers: ClinVar variation 420235 (VCV000420235.6), dbSNP rs782421393, ClinGen allele CA8565466.
Genomic context (GRCh38, chr17:41,769,222, plus strand): 5'-TCTTCGACAGCTGGTTCACAATCATGGCCGCCTTGGTCACCACCACCTGGAGGGCAAAGG[CA>C]GGGGCGGGGACGTGAGCACTAAGGAGAGGCCGGGATACCCTTCCACAGAGCTGAGGAGGG-3'

ClinVar aggregate classification (germline): Likely benign. Review status: criteria provided, multiple submitters, no conflicts (2 of 4 stars). 3 submissions from 3 submitters: Likely benign (3). Last evaluated 2026-01-17.

Conditions:
Naxos disease (NXD). Also called: KERATOSIS PALMOPLANTARIS WITH ARRHYTHMOGENIC CARDIOMYOPATHY; MAL DE NAXOS; CARDIOMYOPATHY, ARRHYTHMOGENIC RIGHT VENTRICULAR, WITH SKIN, HAIR, AND NAIL ABNORMALITIES; PALMOPLANTAR KERATODERMA WITH ARRHYTHMOGENIC RIGHT VENTRICULAR CARDIOMYOPATHY AND WOOLLY HAIR; WOOLLY HAIR, PALMOPLANTAR KERATODERMA, AND CARDIAC ABNORMALITIES. Identifiers: Orphanet 34217, MedGen C1832600, MONDO:0011017, OMIM 601214.
Arrhythmogenic right ventricular dysplasia 12. Also called: ARRHYTHMOGENIC RIGHT VENTRICULAR DYSPLASIA, FAMILIAL, 12. Identifiers: MedGen C1969081, MONDO:0012684, OMIM 611528.

Allele frequency attached by ClinVar (database versions not stated): gnomAD 0.00001; gnomAD exomes 0.00001 and 0.00002; ExAC 0.00002; TOPMed 0.00002; ESP Exome Variant Server 0.00008.

Submissions (3):

Labcorp Genetics (formerly Invitae), Labcorp
Classification: Likely benign for Arrhythmogenic right ventricular dysplasia 12; Naxos disease. Last evaluated: 2026-01-17. Review status: criteria provided, single submitter. Criteria: Invitae Variant Classification Sherloc (09022015). Collection method: clinical testing. Allele origin: germline.

Women's Health and Genetics/Laboratory Corporation of America, LabCorp
Classification: Likely benign. Last evaluated: 2023-09-26. Review status: criteria provided, single submitter. Criteria: LabCorp Variant Classification Summary - May 2015. Collection method: clinical testing. Allele origin: germline.
Comment: Variant summary: JUP c.469-16delT alters a non-conserved nucleotide located at a position not widely known to affect splicing. Consensus agreement among computation tools predict no significant impact on normal splicing. However, these predictions have yet to be confirmed by functional studies. The variant allele was found at a frequency of 2.1e-05 in 237266 control chromosomes. The available data on variant occurrences in the general population are insufficient to allow any conclusion about variant significance. To our knowledge, no occurrence of c.469-16delT in individuals affected with Arrhythmogenic Right Ventricular Dysplasia/Cardiomyopathy and no experimental evidence demonstrating its impact on protein function have been reported. Two submitters have cited clinical-significance assessments for this variant to ClinVar after 2014. All submitters classified the variant as likely benign. Based on the evidence outlined above, the variant was classified as likely benign.

GeneDx
Classification: Likely benign. Last evaluated: 2017-04-25. Review status: criteria provided, single submitter. Criteria: GeneDx Variant Classification (06012015). Collection method: clinical testing. Allele origin: germline. Affected: yes.
Comment: This variant is considered likely benign or benign based on one or more of the following criteria: it is a conservative change, it occurs at a poorly conserved position in the protein, it is predicted to be benign by multiple in silico algorithms, and/or has population frequency not consistent with disease.